The following is an entry in ClinVar:

ClinVar aggregate classification (germline): Likely benign. Review status: criteria provided, multiple submitters, no conflicts (2 of 4 stars). 2 submissions from 2 submitters: Likely benign (2). Last evaluated 2025-04-13.

Allele frequency attached by ClinVar (database versions not stated): gnomAD exomes 0.00001; ExAC 0.00002; TOPMed 0.00005; gnomAD 0.00006 and 0.00007; 1000 Genomes Project 30x 0.00031; 1000 Genomes Project 0.00040.
gnomAD v4.1: 23 of 1,603,348 alleles (0.0014%); highest among the groups gnomAD compares: African/African-American, 0.024%; no homozygotes.

Submissions (2):

Labcorp Genetics (formerly Invitae), Labcorp
Classification: Likely benign. Last evaluated: 2025-04-13. Review status: criteria provided, single submitter. Criteria: Invitae Variant Classification Sherloc (09022015). Collection method: clinical testing. Allele origin: germline.

CeGaT Center for Human Genetics Tuebingen
Classification: Likely benign. Last evaluated: 2023-10-01. Review status: criteria provided, single submitter. Criteria: CeGaT Center For Human Genetics Tuebingen Variant Classification Criteria Version 2. Collection method: clinical testing. Allele origin: germline. Affected: yes. Observed: 1 variant allele.
Comment: HNRNPK: BP4, BP7

NM_031263.4(HNRNPK):c.72A>C (p.Ala24=)

Gene: HNRNPK (heterogeneous nuclear ribonucleoprotein K; minus strand). Cytogenetic location: 9q21.32.
Variant type: single nucleotide variant.
Coding change: c.72A>C on transcript NM_031263.4 (MANE Select); coding-DNA position 72, A replaced by C.
Protein change: p.Ala24=; no amino-acid change (alanine 24 retained).
Molecular consequence: synonymous variant.
Genome position (GRCh38, 1-based): chr9:83,977,773, T>G on the plus strand (A>C on the coding strand, the complement: HNRNPK is on the minus strand). VCF-style: chr9-83977773-T-G. GRCh37 (hg19) VCF-style: chr9-86592688-T-G.
Other names: c.72A>C, p.Ala24= (NM_001318186.2, NM_001318187.2, NM_001318188.2 and 2 more transcripts).
Identifiers: ClinVar variation 739714 (VCV000739714.31), dbSNP rs114536498, ClinGen allele CA5104310.